The following is an entry in ClinVar:

ClinVar aggregate classification (germline): Uncertain significance (1 of 4 stars; one submission).

Conditions:
Exostoses, multiple, type 2 (EXT2). Also called: Hereditary Multiple Osteochondromatosis, Type II; EXOSTOSES, MULTIPLE, TYPE II. Identifiers: Orphanet 321, MedGen C1851413, MONDO:0007586, OMIM 133701.

Allele frequency attached by ClinVar (database versions not stated): gnomAD exomes below 0.00001; TOPMed below 0.00001; gnomAD 0.00002.
gnomAD v4.1: 7 of 1,614,162 alleles (0.00043%); highest among the groups gnomAD compares: Admixed American, 0.0033%; no homozygotes.

Submission:

Labcorp Genetics (formerly Invitae), Labcorp
Classification: Uncertain significance for Exostoses, multiple, type 2. Last evaluated: 2022-01-27. Review status: criteria provided, single submitter. Criteria: Invitae Variant Classification Sherloc (09022015). Collection method: clinical testing. Allele origin: germline.
Comment: This variant has not been reported in the literature in individuals affected with EXT2-related conditions. In summary, the available evidence is currently insufficient to determine the role of this variant in disease. Therefore, it has been classified as a Variant of Uncertain Significance. Algorithms developed to predict the effect of missense changes on protein structure and function are either unavailable or do not agree on the potential impact of this missense change (SIFT: "Deleterious"; PolyPhen-2: "Possibly Damaging"; Align-GVGD: "Class C0"). ClinVar contains an entry for this variant (Variation ID: 1062565). This variant is present in population databases (no rsID available, gnomAD 0.0009%). This sequence change replaces valine, which is neutral and non-polar, with methionine, which is neutral and non-polar, at codon 115 of the EXT2 protein (p.Val115Met).

NM_207122.2(EXT2):c.343G>A (p.Val115Met)

Gene: EXT2 (exostosin glycosyltransferase 2; plus strand). Cytogenetic location: 11p11.2.
Variant type: single nucleotide variant.
Coding change: c.343G>A on transcript NM_207122.2 (MANE Select); coding-DNA position 343, G replaced by A.
Protein change: p.Val115Met; replaces valine 115 with methionine.
Molecular consequence: missense variant.
Genome position (GRCh38, 1-based): chr11:44,108,055, G>A. VCF-style: chr11-44108055-G-A. GRCh37 (hg19) VCF-style: chr11-44129605-G-A.
Other names: c.442G>A, p.Val148Met (NM_000401.3); c.343G>A, p.Val115Met (NM_001178083.3); short protein forms V115M, V148M.
Identifiers: ClinVar variation 1062565 (VCV001062565.11), dbSNP rs1470293557, ClinGen allele CA380180148.
Genomic context (GRCh38, chr11:44,108,055, plus strand): 5'-CGCTGTGGCTTCAACCCAAAGAACAAAATCAAGGTGTATATCTATGCTCTGAAAAAGTAC[G>A]TGGATGACTTTGGCGTCTCTGTCAGCAACACCATCTCCCGGGAGTATAATGAACTGCTCA-3'
Protein context (NP_997005.1, residues 105-125): KVYIYALKKY[Val115Met]DDFGVSVSNT